The following is an entry in ClinVar:

NM_000145.4(FSHR):c.603C>T (p.Ser201=)

Gene: FSHR (follicle stimulating hormone receptor; minus strand). Cytogenetic location: 2p16.3.
Variant type: single nucleotide variant.
Coding change: c.603C>T on transcript NM_000145.4 (MANE Select); coding-DNA position 603, C replaced by T.
Protein change: p.Ser201=; no amino-acid change (serine 201 retained).
Molecular consequence: synonymous variant.
Genome position (GRCh38, 1-based): chr2:48,982,977, G>A on the plus strand (C>T on the coding strand, the complement: FSHR is on the minus strand). VCF-style: chr2-48982977-G-A. GRCh37 (hg19) VCF-style: chr2-49210116-G-A.
Other names: c.525C>T, p.Ser175= (NM_181446.3).
Identifiers: ClinVar variation 336488 (VCV000336488.14), dbSNP rs75552966, ClinGen allele CA1653846.

ClinVar aggregate classification (germline): Benign/Likely benign. Review status: criteria provided, multiple submitters, no conflicts (2 of 4 stars). 6 submissions from 5 submitters: Benign (2); Likely benign (3). 1 of the submissions does not count toward it. Last evaluated 2020-10-06.

Conditions:
FSHR-related disorder. Also called: FSHR-related condition; FSHR-related disorders.
Ovarian dysgenesis 1 (ODG1). Also called: GONADAL DYSGENESIS, XX TYPE; OVARIAN DYSGENESIS, HYPERGONADOTROPIC, AUTOSOMAL RECESSIVE; OVARIAN DYSGENESIS, HYPERGONADOTROPIC, WITH NORMAL KARYOTYPE; OVARIAN FAILURE, HYPERGONADOTROPIC; Gonadal dysgenesis XX type deafness. Identifiers: Orphanet 243, MedGen C0949595, MONDO:0024463, OMIM 233300.
Ovarian hyperstimulation syndrome (OHSS). Also called: OVARIAN HYPERSTIMULATION SYNDROME, FAMILIAL GESTATIONAL SPONTANEOUS. Identifiers: Orphanet 64739, MedGen C0085083, MONDO:0011972, OMIM 608115.

Allele frequency attached by ClinVar (database versions not stated): 1000 Genomes Project 0.00639; 1000 Genomes Project 30x 0.00671; ESP Exome Variant Server 0.00946; TOPMed 0.01032.
gnomAD v4.1: 7,406 of 1,613,690 alleles (0.46%); highest among the groups gnomAD compares: African/African-American, 2.7%; 42 homozygotes.

Submissions (6):

GeneDx
Classification: Benign. Last evaluated: 2020-10-06. Review status: criteria provided, single submitter. Criteria: GeneDx Variant Classification Process June 2021. Collection method: clinical testing. Allele origin: germline. Affected: yes.

Labcorp Genetics (formerly Invitae), Labcorp
Classification: Benign. Last evaluated: 2019-12-31. Review status: criteria provided, single submitter. Criteria: Invitae Variant Classification Sherloc (09022015). Collection method: clinical testing. Allele origin: germline.

Illumina Laboratory Services, Illumina
Classification: Likely benign for Ovarian hyperstimulation syndrome. Last evaluated: 2018-01-12. Review status: criteria provided, single submitter. Criteria: ICSL Variant Classification Criteria 13 December 2019. Collection method: clinical testing. Allele origin: germline.
Comment: This variant was observed in the ICSL laboratory as part of a predisposition screen in an ostensibly healthy population. It had not been previously curated by ICSL or reported in the Human Gene Mutation Database (HGMD: prior to June 1st, 2018), and was therefore a candidate for classification through an automated scoring system. Utilizing variant allele frequency, disease prevalence and penetrance estimates, and inheritance mode, an automated score was calculated to assess if this variant is too frequent to cause the disease. Based on the score and internal cut-off values, a variant classified as likely benign is not then subjected to further curation. The score for this variant resulted in a classification of likely benign for this disease.

Illumina Laboratory Services, Illumina
Classification: Likely benign for Ovarian dysgenesis 1. Last evaluated: 2018-01-12. Review status: criteria provided, single submitter. Criteria: ICSL Variant Classification Criteria 13 December 2019. Collection method: clinical testing. Allele origin: germline.
Comment: the same text as in the submission from Illumina Laboratory Services, Illumina above.

Breakthrough Genomics
Classification: Likely benign. Review status: criteria provided, single submitter. Criteria: ACMG Guidelines, 2015. Collection method: not provided. Allele origin: germline. Inheritance: Autosomal recessive inheritance. Affected: yes.

PreventionGenetics, part of Exact Sciences
Classification: Benign for FSHR-related condition. Last evaluated: 2019-07-09. Review status: no assertion criteria provided. Collection method: clinical testing. Allele origin: germline. Not counted in ClinVar's aggregate classification.
Comment: This variant is classified as benign based on ACMG/AMP sequence variant interpretation guidelines (Richards et al. 2015 PMID: 25741868, with internal and published modifications).